The following is an entry in ClinVar:

NM_005228.5(EGFR):c.1215G>T (p.Leu405Phe)

Gene: EGFR (epidermal growth factor receptor; plus strand). Cytogenetic location: 7p11.2.
Variant type: single nucleotide variant.
Coding change: c.1215G>T on transcript NM_005228.5 (MANE Select); coding-DNA position 1215, G replaced by T.
Protein change: p.Leu405Phe; replaces leucine 405 with phenylalanine.
Molecular consequence: missense variant.
Genome position (GRCh38, 1-based): chr7:55,157,670, G>T. VCF-style: chr7-55157670-G-T. GRCh37 (hg19) VCF-style: chr7-55225363-G-T.
Other names: c.1080G>T, p.Leu360Phe (NM_001346897.2, NM_001346899.2); c.1215G>T, p.Leu405Phe (NM_001346898.2, NM_201282.2, NM_201284.2); c.1056G>T, p.Leu352Phe (NM_001346900.2); c.414G>T, p.Leu138Phe (NM_001346941.2); short protein forms L352F, L360F, L405F, L138F.
Identifiers: ClinVar variation 3655669 (VCV003655669.2).

ClinVar aggregate classification (germline): Uncertain significance (1 of 4 stars; one submission).

Conditions:
EGFR-related lung cancer (EGFR). Identifiers: MedGen CN130014.

Submission:

Labcorp Genetics (formerly Invitae), Labcorp
Classification: Uncertain significance for EGFR-related lung cancer. Last evaluated: 2024-06-05. Review status: criteria provided, single submitter. Criteria: Invitae Variant Classification Sherloc (09022015). Collection method: clinical testing. Allele origin: germline.
Comment: This sequence change replaces leucine, which is neutral and non-polar, with phenylalanine, which is neutral and non-polar, at codon 405 of the EGFR protein (p.Leu405Phe). This variant is not present in population databases (gnomAD no frequency). This variant has not been reported in the literature in individuals affected with EGFR-related conditions. Advanced modeling of protein sequence and biophysical properties (such as structural, functional, and spatial information, amino acid conservation, physicochemical variation, residue mobility, and thermodynamic stability) performed at Invitae indicates that this missense variant is not expected to disrupt EGFR protein function with a negative predictive value of 80%. Algorithms developed to predict the effect of sequence changes on RNA splicing suggest that this variant may disrupt the consensus splice site. In summary, the available evidence is currently insufficient to determine the role of this variant in disease. Therefore, it has been classified as a Variant of Uncertain Significance.